The following continues an entry in ClinVar:

NM_000038.6(APC):c.1660C>T (p.Arg554Ter)

Gene: APC. ClinVar aggregate classification (germline): Pathogenic. Pathogenic (11). ClinVar aggregate classification (oncogenicity): Likely oncogenic.

Submissions 10 to 17 of 17:

Fulgent Genetics
Classification: Pathogenic for Colorectal cancer; Hepatocellular carcinoma; Desmoid disease, hereditary; Familial adenomatous polyposis 1; Gastric cancer. Last evaluated: 2018-10-31. Review status: criteria provided, single submitter. Criteria: ACMG Guidelines, 2015. Collection method: clinical testing. Allele origin: unknown.

GeneDx
Classification: Pathogenic. Last evaluated: 2018-04-06. Review status: criteria provided, single submitter. Criteria: GeneDx Variant Classification (06012015). Collection method: clinical testing. Allele origin: germline. Affected: yes.
Comment: This variant is denoted APC c.1660C>T at the cDNA level and p.Arg554Ter (R554X) at the protein level. The substitution creates a nonsense variant, which changes an Arginine to a premature stop codon (CGA>TGA), and is predicted to cause loss of normal protein function through either protein truncation or nonsense-mediated mRNA decay. This variant has been reported in association with Familial Adenomatous Polyposis (FAP) (Fodde 1992, van der Luijt 1997, Blaker 2003, Friedl and Aretz 2005, Castellsague 2010) and is considered pathogenic.

University of Washington Department of Laboratory Medicine, University of Washington
Classification: Pathogenic for Colorectal cancer, susceptibility to. Last evaluated: 2015-11-20. Review status: criteria provided, single submitter. Criteria: Shirts et al. (Genet Med 2016). Collection method: clinical testing. Allele origin: germline. Affected: no. Observed: 1 variant allele.

Laboratory for Genotyping Development, RIKEN
Classification: Pathogenic for Gastric cancer. Last evaluated: 2021-07-01. Review status: no assertion criteria provided. Collection method: research. Allele origin: germline. Not counted in ClinVar's aggregate classification.

Yale Center for Mendelian Genomics, Yale University
Classification: Pathogenic for Familial adenomatous polyposis 1. Last evaluated: 2015-11-27. Review status: no assertion criteria provided. Collection method: literature only. Allele origin: somatic. Affected: yes. Observed: 1 heterozygote. Not counted in ClinVar's aggregate classification.

OMIM
Classification: Pathogenic for FAMILIAL ADENOMATOUS POLYPOSIS 1. Last evaluated: 1992-08-01. Review status: no assertion criteria provided. Collection method: literature only. Allele origin: germline. Not counted in ClinVar's aggregate classification.

Dr. Peter K. Rogan Lab, Western University
No classification provided (evidence only). Condition: Colon adenocarcinoma. Review status: no classification provided. Collection method: in vitro. Allele origin: not applicable. Functional consequence: retained intron. Not counted in ClinVar's aggregate classification.

Dr. Peter K. Rogan Lab, Western University
No classification provided (evidence only). Condition: Colon adenocarcinoma. Review status: no classification provided. Collection method: in vitro. Allele origin: not applicable. Functional consequence: retained intron. Not counted in ClinVar's aggregate classification.

Literature cited by the submitters: PubMed 34352208 (cited by Center for Genomic Medicine, Rigshospitalet, Copenhagen University Hospital); PubMed 28179481 (cited by Center for Genomic Medicine, Rigshospitalet, Copenhagen University Hospital); PubMed 17963004 (cited by Labcorp Genetics (formerly Invitae), Labcorp); PubMed 20685668 (cited by Labcorp Genetics (formerly Invitae), Labcorp and Ambry Genetics); PubMed 1324223 (cited by 5 submitters); PubMed 12357334 (cited by 4 submitters); PubMed 15108286 (cited by 3 submitters); PubMed 15951963 (cited by 4 submitters); PubMed 20223039 (cited by 4 submitters); PubMed 20924072 (cited by 3 submitters); PubMed 19793053 (cited by Ambry Genetics); PubMed 30897307 (cited by Ambry Genetics and Institute for Genomic Medicine (IGM) Clinical Laboratory, Nationwide Children's Hospital); PubMed 31942411 (cited by Ambry Genetics and Institute for Genomic Medicine (IGM) Clinical Laboratory, Nationwide Children's Hospital); PubMed 26613750 (cited by Institute for Genomic Medicine (IGM) Clinical Laboratory, Nationwide Children's Hospital and Yale Center for Mendelian Genomics, Yale University); PubMed 36988593 (cited by Laboratory for Genotyping Development, RIKEN).